The following is an entry in ClinVar:

ClinVar aggregate classification (germline): Uncertain significance. Review status: criteria provided, multiple submitters, no conflicts (2 of 4 stars). 4 submissions from 4 submitters: Uncertain significance (4). Last evaluated 2024-05-13.

Conditions:
Fanconi anemia complementation group I (FANCI). Also called: FANCI-Related Fanconi Anemia. Identifiers: Orphanet 84, MedGen C1836861, MONDO:0012186, OMIM 609053.
Fanconi anemia (FA). Also called: Fanconi's anemia. Identifiers: Orphanet 84, MedGen C0015625, MeSH D005199, MONDO:0019391.

Allele frequency attached by ClinVar (database versions not stated): gnomAD exomes 0.00002 and 0.00003; ExAC 0.00003; gnomAD 0.00007 and 0.00009; TOPMed 0.00007; ESP Exome Variant Server 0.00023.
gnomAD v4.1: 54 of 1,613,452 alleles (0.0033%); highest among the groups gnomAD compares: African/African-American, 0.008%; no homozygotes.

Submissions (4):

Fulgent Genetics
Classification: Uncertain significance for Fanconi anemia complementation group I. Last evaluated: 2024-05-13. Review status: criteria provided, single submitter. Criteria: ACMG Guidelines, 2015. Collection method: clinical testing. Allele origin: germline.

GeneDx
Classification: Uncertain significance. Last evaluated: 2024-05-03. Review status: criteria provided, single submitter. Criteria: GeneDx Variant Classification Process June 2021. Collection method: clinical testing. Allele origin: germline. Affected: yes.
Comment: In silico analysis supports that this missense variant has a deleterious effect on protein structure/function; In a study on familial breast cancer, variant was observed in 1 control and none of the cases (PMID: 30303537); This variant is associated with the following publications: (PMID: 28404951, 30303537)

Labcorp Genetics (formerly Invitae), Labcorp
Classification: Uncertain significance for Fanconi anemia. Last evaluated: 2022-04-22. Review status: criteria provided, single submitter. Criteria: Invitae Variant Classification Sherloc (09022015). Collection method: clinical testing. Allele origin: germline.
Comment: This sequence change replaces phenylalanine, which is neutral and non-polar, with isoleucine, which is neutral and non-polar, at codon 634 of the FANCI protein (p.Phe634Ile). This variant is present in population databases (rs140965103, gnomAD 0.008%). This variant has not been reported in the literature in individuals affected with FANCI-related conditions. ClinVar contains an entry for this variant (Variation ID: 317282). Algorithms developed to predict the effect of missense changes on protein structure and function are either unavailable or do not agree on the potential impact of this missense change (SIFT: "Deleterious"; PolyPhen-2: "Benign"; Align-GVGD: "Class C0"). In summary, the available evidence is currently insufficient to determine the role of this variant in disease. Therefore, it has been classified as a Variant of Uncertain Significance.

Illumina Laboratory Services, Illumina
Classification: Uncertain significance for Fanconi anemia complementation group I. Last evaluated: 2018-01-12. Review status: criteria provided, single submitter. Criteria: ICSL Variant Classification Criteria 13 December 2019. Collection method: clinical testing. Allele origin: germline.

NM_001113378.2(FANCI):c.1900T>A (p.Phe634Ile)

Gene: FANCI (FA complementation group I; plus strand). Cytogenetic location: 15q26.1.
Variant type: single nucleotide variant.
Coding change: c.1900T>A on transcript NM_001113378.2 (MANE Select); coding-DNA position 1900, T replaced by A.
Protein change: p.Phe634Ile; replaces phenylalanine 634 with isoleucine.
Molecular consequence: missense variant.
Genome position (GRCh38, 1-based): chr15:89,291,622, T>A. VCF-style: chr15-89291622-T-A. GRCh37 (hg19) VCF-style: chr15-89834853-T-A.
Other names: c.1621T>A, p.Phe541Ile (NM_001376910.1); c.1900T>A, p.Phe634Ile (NM_001376911.1, NM_018193.3); short protein forms F634I, F541I.
Identifiers: ClinVar variation 317282 (VCV000317282.9), dbSNP rs140965103, ClinGen allele CA7723213.
Genomic context (GRCh38, chr15:89,291,622, plus strand): 5'-AGTAAAAAGCATTTATGAGCCAAGATGTCTTTTTTTTCTTACTATACACAGTTAAAACAG[T>A]TCTATGAGCCAAAACCTGATCTGCTGCCTCCTCTGAAATTAGAAGCTTGTATTCTGACCC-3'
Protein context (NP_001106849.1, residues 624-644): MQTLLSQLKQ[Phe634Ile]YEPKPDLLPP